The following is an entry in ClinVar:

ClinVar aggregate classification (germline): Uncertain significance. Review status: criteria provided, multiple submitters, no conflicts (2 of 4 stars). 2 submissions from 2 submitters: Uncertain significance (2). Last evaluated 2025-05-19.

Conditions:
Familial thoracic aortic aneurysm and aortic dissection (TAAD). Also called: Thoracic aortic aneurysms and dissections. Identifiers: Orphanet 91387, MedGen C4707243, MONDO:0019625.
HYPERHOMOCYSTEINEMIA, THROMBOTIC, CBS-RELATED. Identifiers: MedGen C3150344, OMIM 236200.

Submissions (2):

Labcorp Genetics (formerly Invitae), Labcorp
Classification: Uncertain significance for HYPERHOMOCYSTEINEMIA, THROMBOTIC, CBS-RELATED. Last evaluated: 2025-05-19. Review status: criteria provided, single submitter. Criteria: Invitae Variant Classification Sherloc (09022015). Collection method: clinical testing. Allele origin: germline.
Comment: This variant, c.1200_1202del, results in the deletion of 1 amino acid(s) of the CBS protein (p.Glu400del), but otherwise preserves the integrity of the reading frame. This variant is present in population databases (rs745438246, gnomAD 0.02%). This variant has not been reported in the literature in individuals affected with CBS-related conditions. Experimental studies and prediction algorithms are not available or were not evaluated, and the functional significance of this variant is currently unknown. In summary, the available evidence is currently insufficient to determine the role of this variant in disease. Therefore, it has been classified as a Variant of Uncertain Significance.

Ambry Genetics
Classification: Uncertain significance for Familial thoracic aortic aneurysm and aortic dissection. Last evaluated: 2025-01-27. Review status: criteria provided, single submitter. Criteria: Ambry Variant Classification Scheme 2023. Collection method: clinical testing. Allele origin: germline.
Comment: The c.1200_1202delGGA variant (also known as p.E400del) is located in coding exon 11 of the CBS gene. This variant results from an in-frame GGA deletion at nucleotide positions 1200 to 1202. This results in the in-frame deletion of a glutamic acid at codon 400. This amino acid position is highly conserved in available vertebrate species. In addition, this alteration is predicted to be neutral by in silico analysis (Choi Y et al. PLoS ONE. 2012; 7(10):e46688). Since supporting evidence is limited at this time, the clinical significance of this alteration remains unclear.

NM_000071.3(CBS):c.1194GGA[2] (p.Glu400del)

Gene: CBS (cystathionine beta-synthase; minus strand). Cytogenetic location: 21q22.3.
Variant type: Microsatellite.
Coding change: c.1194GGA[2] on transcript NM_000071.3 (MANE Select); two copies in a row of the 3-base unit GGA starting at c.1194; the reference has three copies in a row; one copy, 3 bases deleted.
Protein change: p.Glu400del; deletes glutamic acid 400.
Molecular consequence: inframe deletion.
Genome position (GRCh38, 1-based): chr21:43,059,247-43,059,249, TCC deleted on the plus strand (GGA on the coding strand, the reverse complement: CBS is on the minus strand); deleting any 3 consecutive bases within chr21:43,059,247-43,059,256 gives the same sequence; the position shown is the placement nearest the transcript's 3' end. VCF-style (leftmost placement, unchanged base first): chr21-43059246-GTCC-G. GRCh37 (hg19) VCF-style: chr21-44479356-GTCC-G.
Other names: c.1194GGA[2], p.Glu400del (NM_001178008.3, NM_001178009.3, NM_001320298.2); c.879GGA[2], p.Glu295del (NM_001321072.1); short protein forms E400del, E295del.
Identifiers: ClinVar variation 340082 (VCV000340082.9), dbSNP rs745438246, ClinGen allele CA10644734.